The following is an entry in ClinVar:

ClinVar aggregate classification (germline): Pathogenic/Likely pathogenic. Review status: criteria provided, multiple submitters, no conflicts (2 of 4 stars). 2 submissions from 2 submitters: Pathogenic (1); Likely pathogenic (1). Last evaluated 2024-03-18.

Conditions:
Familial cancer of breast. Also called: BREAST CANCER, FAMILIAL; Hereditary breast cancer; hereditary breast carcinoma. Identifiers: Orphanet 227535, MedGen C0346153, MONDO:0016419, OMIM 114480. Disease mechanism: loss of function.

Allele frequency attached by ClinVar (database versions not stated): gnomAD exomes below 0.00001.

Submissions (2):

Baylor Genetics
Classification: Likely pathogenic for Familial cancer of breast. Last evaluated: 2024-03-18. Review status: criteria provided, single submitter. Criteria: ACMG Guidelines, 2015. Collection method: clinical testing. Allele origin: unknown.

Myriad Genetics, Inc.
Classification: Pathogenic for Familial cancer of breast. Last evaluated: 2024-01-18. Review status: criteria provided, single submitter. Criteria: Myriad Autosomal Dominant, Autosomal Recessive and X-Linked Classification Criteria (2023). Collection method: clinical testing. Allele origin: unknown.
Comment: This variant is considered pathogenic. This variant creates a frameshift predicted to result in premature protein truncation.

NM_000051.4(ATM):c.3113dup (p.Arg1039fs)

Gene: ATM (ATM serine/threonine kinase; plus strand). Cytogenetic location: 11q22.3.
Variant type: Duplication.
Coding change: c.3113dup on transcript NM_000051.4 (MANE Select); coding-DNA position 3113, one base duplicated (T; older notation c.3113dupT).
Protein change: p.Arg1039fs; shifts the reading frame from arginine 1039.
Molecular consequence: frameshift variant.
Genome position (GRCh38, 1-based): chr11:108,272,567, T duplicated. VCF-style (leftmost placement, unchanged base first): chr11-108272566-G-GT. GRCh37 (hg19) VCF-style: chr11-108143293-G-GT.
Other names: c.3113dup, p.Arg1039fs (NM_001351834.2); short protein forms R1039fs.
Identifiers: ClinVar variation 3148588 (VCV003148588.2), dbSNP rs2497712869, ClinGen allele CA2615856011.